The following is an entry in ClinVar:

NM_138422.4(ADAT3):c.988G>A (p.Asp330Asn)

Genes: SCAMP4 (secretory carrier membrane protein 4; plus strand), ADAT3 (adenosine deaminase tRNA specific 3; plus strand). Cytogenetic location: 19p13.3.
Variant type: single nucleotide variant.
Coding change: c.988G>A on transcript NM_138422.4 (MANE Select); coding-DNA position 988, G replaced by A.
Protein change: p.Asp330Asn; replaces aspartic acid 330 with asparagine.
Molecular consequence: missense variant. On other transcripts: intron variant (3).
Genome position (GRCh38, 1-based): chr19:1,913,035, G>A. VCF-style: chr19-1913035-G-A. GRCh37 (hg19) VCF-style: chr19-1913034-G-A.
Other names: c.940G>A, p.Asp314Asn (NM_001329533.2); c.-41-1944G>A (NM_079834.4, NM_001329540.2); c.-125-4659G>A (NM_001329539.2); short protein forms D314N, D330N.
Identifiers: ClinVar variation 992198 (VCV000992198.6), dbSNP rs202206209, ClinGen allele CA9054689.

ClinVar aggregate classification (germline): Conflicting classifications of pathogenicity. Review status: criteria provided, conflicting classifications (1 of 4 stars). 3 submissions from 3 submitters: Uncertain significance (2); Likely benign (1). Last evaluated 2026-03-31.

Conditions:
ADAT3-related disorder. Also called: ADAT3-related condition.

Allele frequency attached by ClinVar (database versions not stated): 1000 Genomes Project 30x 0.00047; 1000 Genomes Project 0.00080; gnomAD 0.00014 and 0.00018; TOPMed 0.00020; ExAC 0.00041; gnomAD exomes 0.00046.
gnomAD v4.1: 210 of 1,604,210 alleles (0.013%); highest among the groups gnomAD compares: East Asian, 0.43%; no homozygotes.

Submissions (3):

GeneDx
Classification: Uncertain significance. Last evaluated: 2026-03-31. Review status: criteria provided, single submitter. Criteria: GeneDx Variant Classification Process June 2021. Collection method: clinical testing. Allele origin: germline.
Comment: In silico analysis suggests that this missense variant does not alter protein structure/function; Has not been previously published as pathogenic or benign to our knowledge

PreventionGenetics, part of Exact Sciences
Classification: Likely benign for ADAT3-related condition. Last evaluated: 2026-03-12. Review status: criteria provided, single submitter. Criteria: ACMG Guidelines, 2015. Collection method: clinical testing. Allele origin: germline.
Comment: This variant is classified as likely benign based on ACMG/AMP sequence variant interpretation guidelines (Richards et al. 2015 PMID: 25741868, with internal and published modifications).

Women's Health and Genetics/Laboratory Corporation of America, LabCorp
Classification: Uncertain significance. Last evaluated: 2020-12-23. Review status: criteria provided, single submitter. Criteria: LabCorp Variant Classification Summary - May 2015. Collection method: clinical testing. Allele origin: germline.
Comment: Variant summary: ADAT3 c.988G>A (p.Asp330Asn) results in a conservative amino acid change located in the Cytidine and deoxycytidylate deaminase domain (IPR002125) of the encoded protein sequence. Four of five in-silico tools predict a benign effect of the variant on protein function. The variant allele was found at a frequency of 0.00046 in 235422 control chromosomes (gnomAD). To our knowledge, no occurrence of c.988G>A in individuals affected with Mental Retardation, Autosomal Recessive 36 and no experimental evidence demonstrating its impact on protein function have been reported. No clinical diagnostic laboratories have submitted clinical-significance assessments for this variant to ClinVar after 2014. Based on the evidence outlined above, the variant was classified as uncertain significance.